The following is an entry in ClinVar:

ClinVar aggregate classification (germline): Uncertain significance (1 of 4 stars; one submission).

Submission:

Labcorp Genetics (formerly Invitae), Labcorp
Classification: Uncertain significance. Last evaluated: 2024-07-11. Review status: criteria provided, single submitter. Criteria: Invitae Variant Classification Sherloc (09022015). Collection method: clinical testing. Allele origin: germline.
Comment: This sequence change replaces leucine, which is neutral and non-polar, with glutamine, which is neutral and polar, at codon 623 of the HIVEP2 protein (p.Leu623Gln). This variant is not present in population databases (gnomAD no frequency). This variant has not been reported in the literature in individuals affected with HIVEP2-related conditions. Advanced modeling of protein sequence and biophysical properties (such as structural, functional, and spatial information, amino acid conservation, physicochemical variation, residue mobility, and thermodynamic stability) performed at Invitae indicates that this missense variant is not expected to disrupt HIVEP2 protein function with a negative predictive value of 80%. In summary, the available evidence is currently insufficient to determine the role of this variant in disease. Therefore, it has been classified as a Variant of Uncertain Significance.

NM_006734.4(HIVEP2):c.1868T>A (p.Leu623Gln)

Gene: HIVEP2 (HIVEP zinc finger 2; minus strand). Cytogenetic location: 6q24.2.
Variant type: single nucleotide variant.
Coding change: c.1868T>A on transcript NM_006734.4 (MANE Select); coding-DNA position 1868, T replaced by A.
Protein change: p.Leu623Gln; replaces leucine 623 with glutamine.
Molecular consequence: missense variant.
Genome position (GRCh38, 1-based): chr6:142,772,871, A>T on the plus strand (T>A on the coding strand, the complement: HIVEP2 is on the minus strand). VCF-style: chr6-142772871-A-T. GRCh37 (hg19) VCF-style: chr6-143094008-A-T.
Other names: short protein forms L623Q.
Identifiers: ClinVar variation 3659272 (VCV003659272.2).